The following is an entry in ClinVar:

NM_001363711.2(DUOX2):c.3394A>G (p.Met1132Val)

Gene: DUOX2 (dual oxidase 2; minus strand). Cytogenetic location: 15q21.1.
Variant type: single nucleotide variant.
Coding change: c.3394A>G on transcript NM_001363711.2 (MANE Select); coding-DNA position 3394, A replaced by G.
Protein change: p.Met1132Val; replaces methionine 1132 with valine.
Molecular consequence: missense variant.
Genome position (GRCh38, 1-based): chr15:45,099,683, T>C on the plus strand (A>G on the coding strand, the complement: DUOX2 is on the minus strand). VCF-style: chr15-45099683-T-C. GRCh37 (hg19) VCF-style: chr15-45391881-T-C.
Other names: c.3394A>G, p.Met1132Val (NM_014080.5); short protein forms M1132V.
Identifiers: ClinVar variation 1388393 (VCV001388393.6), dbSNP rs939551285, ClinGen allele CA392259767.

ClinVar aggregate classification (germline): Uncertain significance (1 of 4 stars; one submission).

Submission:

Labcorp Genetics (formerly Invitae), Labcorp
Classification: Uncertain significance. Last evaluated: 2021-10-21. Review status: criteria provided, single submitter. Criteria: Invitae Variant Classification Sherloc (09022015). Collection method: clinical testing. Allele origin: germline.
Comment: This sequence change replaces methionine with valine at codon 1132 of the DUOX2 protein (p.Met1132Val). The methionine residue is moderately conserved and there is a small physicochemical difference between methionine and valine. This variant is not present in population databases (ExAC no frequency). This variant has not been reported in the literature in individuals affected with DUOX2-related conditions. Advanced modeling of protein sequence and biophysical properties (such as structural, functional, and spatial information, amino acid conservation, physicochemical variation, residue mobility, and thermodynamic stability) performed at Invitae indicates that this missense variant is not expected to disrupt DUOX2 protein function. In summary, the available evidence is currently insufficient to determine the role of this variant in disease. Therefore, it has been classified as a Variant of Uncertain Significance.